The following is an entry in ClinVar:

ClinVar aggregate classification (germline): Pathogenic. Review status: criteria provided, multiple submitters, no conflicts (2 of 4 stars). 3 submissions from 3 submitters: Pathogenic (3). Last evaluated 2025-01-21.

Conditions:
Muscular dystrophy-dystroglycanopathy (congenital with brain and eye anomalies), type A, 7. Also called: WALKER-WARBURG SYNDROME OR MUSCLE-EYE-BRAIN DISEASE, ISPD-RELATED; Congenital muscular dystrophy-dystroglycanopathy with brain and eye anomalies, type A7. Identifiers: Orphanet 899, MedGen C3553330, MONDO:0013835, OMIM 614643.
Autosomal recessive limb-girdle muscular dystrophy type 2U. Also called: Muscular dystrophy-dystroglycanopathy (limb-girdle), type c, 7; MUSCULAR DYSTROPHY, LIMB-GIRDLE, TYPE 2U. Identifiers: Orphanet 352479, MedGen C5190987, MONDO:0014474, OMIM 616052.

Allele frequency attached by ClinVar (database versions not stated): ExAC 0.00001; gnomAD exomes 0.00001.
gnomAD v4.1: 8 of 1,606,238 alleles (0.0005%); highest among the groups gnomAD compares: East Asian, 0.0022%; no homozygotes.

Submissions (3):

3billion
Classification: Pathogenic for Muscular dystrophy-dystroglycanopathy (congenital with brain and eye anomalies), type A, 7. Last evaluated: 2025-01-21. Review status: criteria provided, single submitter. Criteria: ACMG Guidelines, 2015. Collection method: clinical testing. Allele origin: germline. Affected: yes.
Comment: The variant is observed at an extremely low frequency in the gnomAD v4.1.0 dataset (total allele frequency: <0.001%). Predicted Consequence/Location: Stop-gained (nonsense): predicted to result in a loss or disruption of normal protein function through nonsense-mediated decay (NMD) or protein truncation. Multiple pathogenic variants are reported downstream of the variant. The variant has been reported at least twice as pathogenic without evidence for the classification (ClinVar ID: VCV001076250 /PMID: 22522420). Therefore, this variant is classified as Pathogenic according to the recommendation of ACMG/AMP guideline.

Labcorp Genetics (formerly Invitae), Labcorp
Classification: Pathogenic for Muscular dystrophy-dystroglycanopathy (congenital with brain and eye anomalies), type A, 7; Autosomal recessive limb-girdle muscular dystrophy type 2U. Last evaluated: 2024-01-18. Review status: criteria provided, single submitter. Criteria: Invitae Variant Classification Sherloc (09022015). Collection method: clinical testing. Allele origin: germline.
Comment: This sequence change creates a premature translational stop signal (p.Arg184*) in the ISPD gene. It is expected to result in an absent or disrupted protein product. Loss-of-function variants in ISPD are known to be pathogenic (PMID: 23288328). The frequency data for this variant in the population databases is considered unreliable, as metrics indicate poor data quality at this position in the gnomAD database. This premature translational stop signal has been observed in individual(s) with clinical features of ISPD-related conditions (PMID: 22522420, 34485198). ClinVar contains an entry for this variant (Variation ID: 1076250). For these reasons, this variant has been classified as Pathogenic.

Revvity Omics, Revvity
Classification: Pathogenic. Last evaluated: 2019-08-28. Review status: criteria provided, single submitter. Criteria: ACMG Guidelines, 2015. Collection method: clinical testing. Allele origin: germline.

Literature cited by the submitters: PubMed 22522420 (cited by 3billion and Labcorp Genetics (formerly Invitae), Labcorp); PubMed 23288328 (cited by Labcorp Genetics (formerly Invitae), Labcorp); PubMed 34485198 (cited by Labcorp Genetics (formerly Invitae), Labcorp).

NM_001101426.4(CRPPA):c.550C>T (p.Arg184Ter)

Gene: CRPPA (CDP-L-ribitol pyrophosphorylase A; minus strand). Cytogenetic location: 7p21.2.
Variant type: single nucleotide variant.
Coding change: c.550C>T on transcript NM_001101426.4 (MANE Select); coding-DNA position 550, C replaced by T.
Protein change: p.Arg184Ter; replaces arginine 184 with a stop codon.
Molecular consequence: nonsense. On other transcripts: non-coding transcript variant (1), intron variant (1).
Genome position (GRCh38, 1-based): chr7:16,376,226, G>A on the plus strand (C>T on the coding strand, the complement: CRPPA is on the minus strand). VCF-style: chr7-16376226-G-A. GRCh37 (hg19) VCF-style: chr7-16415851-G-A.
Other names: c.550C>T, p.Arg184Ter (NM_001368197.1); c.534+29835C>T (NM_001101417.4); short protein forms R184*.
Identifiers: ClinVar variation 1076250 (VCV001076250.13), dbSNP rs370499190, ClinGen allele CA4169570.
Genomic context (GRCh38, chr7:16,376,226, plus strand): 5'-CTAGCGAGTAGTCTAAGCAACCATCAGCAGATGGACTGACGACAGTAGATACAAGAGGTC[G>A]AATGGCTCCTGCTGCCTGAAGAACAAAGAGGCAAAGAATATATTTCACCTACAAGCCATT-3'